The following is an entry in ClinVar:

ClinVar aggregate classification (germline): Pathogenic (1 of 4 stars; one submission).

Submission:

Labcorp Genetics (formerly Invitae), Labcorp
Classification: Pathogenic. Last evaluated: 2023-01-06. Review status: criteria provided, single submitter. Criteria: Invitae Variant Classification Sherloc (09022015). Collection method: clinical testing. Allele origin: germline.
Comment: For these reasons, this variant has been classified as Pathogenic. This variant has not been reported in the literature in individuals affected with STAR-related conditions. This variant is not present in population databases (gnomAD no frequency). This sequence change creates a premature translational stop signal (p.Phe6Serfs*15) in the STAR gene. It is expected to result in an absent or disrupted protein product. Loss-of-function variants in STAR are known to be pathogenic (PMID: 8948562).

Literature cited by the submitters: PubMed 8948562.

NM_000349.3(STAR):c.17del (p.Phe6fs)

Genes: STAR (steroidogenic acute regulatory protein; minus strand), LOC108863620 (STAR 5' regulatory region; plus strand). Cytogenetic location: 8p11.23.
Variant type: Deletion.
Coding change: c.17del on transcript NM_000349.3 (MANE Select); coding-DNA position 17, one base deleted (T; older notation c.17delT).
Protein change: p.Phe6fs; shifts the reading frame from phenylalanine 6.
Molecular consequence: frameshift variant.
Genome position (GRCh38, 1-based): chr8:38,150,802, A deleted on the plus strand (T on the coding strand, the reverse complement: STAR is on the minus strand); the first of 2 consecutive A bases (chr8:38,150,802-38,150,803); deleting either gives the same sequence. VCF-style (leftmost placement, unchanged base first): chr8-38150801-GA-G. GRCh37 (hg19) VCF-style: chr8-38008319-GA-G.
Other names: short protein forms F6fs.
Identifiers: ClinVar variation 2826675 (VCV002826675.3), dbSNP rs2487074342, ClinGen allele CA2739278222.